The following is an entry in ClinVar:

NM_004415.4(DSP):c.154A>G (p.Asn52Asp)

Genes: DSP-AS1 (DSP antisense RNA 1; minus strand), DSP (desmoplakin; plus strand). Cytogenetic location: 6p24.3.
Variant type: single nucleotide variant.
Coding change: c.154A>G on transcript NM_004415.4 (MANE Select); coding-DNA position 154, A replaced by G.
Protein change: p.Asn52Asp; replaces asparagine 52 with aspartic acid.
Molecular consequence: missense variant.
Genome position (GRCh38, 1-based): chr6:7,542,069, A>G. VCF-style: chr6-7542069-A-G. GRCh37 (hg19) VCF-style: chr6-7542302-A-G.
Other names: c.154A>G, p.Asn52Asp (NM_001008844.3, NM_001319034.2); short protein forms N52D.
Identifiers: ClinVar variation 1172063 (VCV001172063.3), dbSNP rs2113629165, ClinGen allele CA362675994.
Genomic context (GRCh38, chr6:7,542,069, plus strand): 5'-AGCGGCGGCGGGGGCACCAGCAGGATGTACTATTCTCGGCGCGGCGTGATCACCGACCAG[A>G]ACTCGGACGGCTACTGGTGGGTACCTGCCCGGAGAGCGCGGGCTGCGGGGCTCGCGGGAC-3'
Protein context (NP_004406.2, residues 42-62): YSRRGVITDQ[Asn52Asp]SDGYCQTGTM

ClinVar aggregate classification (germline): Uncertain significance (1 of 4 stars; one submission).

Conditions:
Cardiomyopathy (CMYO). Also called: Cardiomyopathies. Identifiers: Orphanet 167848, MedGen C0878544, MONDO:0004994, HP:0001638. Inheritance: Various modes of inheritance.

Submission:

Color Diagnostics, LLC DBA Color Health
Classification: Uncertain significance for Cardiomyopathy. Last evaluated: 2024-03-06. Review status: criteria provided, single submitter. Criteria: ACMG Guidelines, 2015. Collection method: clinical testing. Allele origin: germline.
Comment: This missense variant replaces asparagine with aspartic acid at codon 52 of the DSP protein. Computational prediction suggests that this variant may not impact protein structure and function (internally defined REVEL score threshold <= 0.5, PMID: 27666373). To our knowledge, functional studies have not been reported for this variant. This variant has not been reported in individuals affected with cardiovascular disorders in the literature. This variant has not been identified in the general population by the Genome Aggregation Database (gnomAD). The available evidence is insufficient to determine the role of this variant in disease conclusively. Therefore, this variant is classified as a Variant of Uncertain Significance.